The following is an entry in ClinVar:

NM_005751.5(AKAP9):c.9406A>C (p.Met3136Leu)

Gene: AKAP9 (A-kinase anchoring protein 9; plus strand). Cytogenetic location: 7q21.2.
Variant type: single nucleotide variant.
Coding change: c.9406A>C on transcript NM_005751.5 (MANE Select); coding-DNA position 9406, A replaced by C.
Protein change: p.Met3136Leu; replaces methionine 3136 with leucine.
Molecular consequence: missense variant.
Genome position (GRCh38, 1-based): chr7:92,093,144, A>C. VCF-style: chr7-92093144-A-C. GRCh37 (hg19) VCF-style: chr7-91722458-A-C.
Other names: c.4051A>C, p.Met1351Leu (NM_001379277.1); c.9382A>C, p.Met3128Leu (NM_147185.3); short protein forms M1351L, M3136L, M3128L.
Identifiers: ClinVar variation 4749864 (VCV004749864.1).
Genomic context (GRCh38, chr7:92,093,144, plus strand): 5'-ATGTTCTGTGTAGAACTCTTGGAATATAATATACAGCAGAAGCAGTCTCAAATGCTGGAG[A>C]TGCAAGTGGAGCTCAGCAGTATGAAAGACAGAGCAACGGAACTGCAGGAGCAGCTGAGTT-3'
Protein context (NP_005742.4, residues 3126-3146): IQQKQSQMLE[Met3136Leu]QVELSSMKDR

ClinVar aggregate classification (germline): Uncertain significance (1 of 4 stars; one submission).

Conditions:
Long QT syndrome (LQTS). Identifiers: MedGen C0023976, MeSH D008133, MONDO:0002442. Disease mechanism: loss of function. Inheritance: Various modes of inheritance.

Submission:

Labcorp Genetics (formerly Invitae), Labcorp
Classification: Uncertain significance for Long QT syndrome. Last evaluated: 2025-04-15. Review status: criteria provided, single submitter. Criteria: Invitae Variant Classification Sherloc (09022015). Collection method: clinical testing. Allele origin: germline.
Comment: This sequence change replaces methionine, which is neutral and non-polar, with leucine, which is neutral and non-polar, at codon 3136 of the AKAP9 protein (p.Met3136Leu). This variant is not present in population databases (gnomAD no frequency). This variant has not been reported in the literature in individuals affected with AKAP9-related conditions. An algorithm developed to predict the effect of missense changes on protein structure and function (PolyPhen-2) suggests that this variant is likely to be tolerated. In summary, the available evidence is currently insufficient to determine the role of this variant in disease. Therefore, it has been classified as a Variant of Uncertain Significance.